The following is an entry in ClinVar:

NM_000062.3(SERPING1):c.1356dup (p.Gly453fs)

Gene: SERPING1 (serpin family G member 1; plus strand). Cytogenetic location: 11q12.1.
Variant type: Duplication.
Coding change: c.1356dup on transcript NM_000062.3 (MANE Select); coding-DNA position 1356, one base duplicated (T; older notation c.1356dupT).
Protein change: p.Gly453fs; shifts the reading frame from glycine 453.
Molecular consequence: frameshift variant.
Genome position (GRCh38, 1-based): chr11:57,614,434, T duplicated. VCF-style (leftmost placement, unchanged base first): chr11-57614433-C-CT. GRCh37 (hg19) VCF-style: chr11-57381906-C-CT.
Other names: c.1356dup, p.Gly453fs (NM_001032295.2); c.1356dupT (NM_000062.3); short protein forms G453fs.
Identifiers: ClinVar variation 3252001 (VCV003252001.2), dbSNP rs2495458168.

ClinVar aggregate classification (germline): Likely pathogenic (1 of 4 stars; one submission).

Conditions:
Hereditary angioedema type 1 (HAE1). Identifiers: Orphanet 100050, Orphanet 100051, Orphanet 91378, MedGen C2717906, MONDO:0015053, OMIM 106100.

Submission:

DNA-diagnostics Laboratory, Research Centre For Medical Genetics
Classification: Likely pathogenic for Hereditary angioedema type 1. Last evaluated: 2024-07-06. Review status: criteria provided, single submitter. Criteria: ACMG Guidelines, 2015. Collection method: research. Allele origin: germline. Inheritance: Sporadic. Affected: yes. Observed: 1 heterozygote.
Comment: The c.1356dupT variant in SERPING1 meets ACMG/ClinGen SVI guidance criteria to be classified as likely pathogenic: PVS1_Str, PM2_Sup, PP4